The following is an entry in ClinVar:

ClinVar aggregate classification (germline): Conflicting classifications of pathogenicity. Review status: criteria provided, conflicting classifications (1 of 4 stars). 6 submissions from 5 submitters: Uncertain significance (1); Likely benign (4). 1 of the submissions does not count toward it. Last evaluated 2026-01-19.

Conditions:
AGK-related disorder. Also called: AGK-related condition; AGK-related disorders. Identifiers: MedGen CN239194.
Cataract 38. Also called: Cataract 38, autosomal recessive; Cataract, autosomal recessive congenital 5. Identifiers: Orphanet 91492, MedGen C3553494, MONDO:0013859, OMIM 614691.
Sengers syndrome. Also called: MITOCHONDRIAL DNA DEPLETION SYNDROME 10 (CARDIOMYOPATHIC TYPE); Cardiomyopathy and cataract. Identifiers: Orphanet 1369, MedGen C1859317, MONDO:0008922, OMIM 212350.

Allele frequency attached by ClinVar (database versions not stated): TOPMed 0.00005; gnomAD 0.00013; gnomAD exomes 0.00105; ExAC 0.00111; 1000 Genomes Project 30x 0.00172; 1000 Genomes Project 0.00200.
gnomAD v4.1: 948 of 1,613,832 alleles (0.059%); highest among the groups gnomAD compares: South Asian, 0.94%; 6 homozygotes.

Submissions (6):

Labcorp Genetics (formerly Invitae), Labcorp
Classification: Likely benign for Sengers syndrome; Cataract 38. Last evaluated: 2026-01-19. Review status: criteria provided, single submitter. Criteria: Invitae Variant Classification Sherloc (09022015). Collection method: clinical testing. Allele origin: germline.

Blueprint Genetics
Classification: Likely benign. Last evaluated: 2024-10-23. Review status: criteria provided, single submitter. Criteria: ACMG Guidelines, 2015. Collection method: clinical testing. Allele origin: germline.

Fulgent Genetics
Classification: Uncertain significance for Sengers syndrome; Cataract 38. Last evaluated: 2024-01-30. Review status: criteria provided, single submitter. Criteria: ACMG Guidelines, 2015. Collection method: clinical testing. Allele origin: germline.

Illumina Laboratory Services, Illumina
Classification: Likely benign for Sengers syndrome. Last evaluated: 2018-01-12. Review status: criteria provided, single submitter. Criteria: ICSL Variant Classification Criteria 13 December 2019. Collection method: clinical testing. Allele origin: germline.
Comment: This variant was observed in the ICSL laboratory as part of a predisposition screen in an ostensibly healthy population. It had not been previously curated by ICSL or reported in the Human Gene Mutation Database (HGMD: prior to June 1st, 2018), and was therefore a candidate for classification through an automated scoring system. Utilizing variant allele frequency, disease prevalence and penetrance estimates, and inheritance mode, an automated score was calculated to assess if this variant is too frequent to cause the disease. Based on the score and internal cut-off values, a variant classified as likely benign is not then subjected to further curation. The score for this variant resulted in a classification of likely benign for this disease.

Illumina Laboratory Services, Illumina
Classification: Likely benign for Cataract 38. Last evaluated: 2018-01-12. Review status: criteria provided, single submitter. Criteria: ICSL Variant Classification Criteria 13 December 2019. Collection method: clinical testing. Allele origin: germline.
Comment: the same text as in the submission from Illumina Laboratory Services, Illumina above.

PreventionGenetics, part of Exact Sciences
Classification: Benign for AGK-related condition. Last evaluated: 2019-09-09. Review status: no assertion criteria provided. Collection method: clinical testing. Allele origin: germline. Not counted in ClinVar's aggregate classification.
Comment: This variant is classified as benign based on ACMG/AMP sequence variant interpretation guidelines (Richards et al. 2015 PMID: 25741868, with internal and published modifications).

NM_018238.4(AGK):c.26G>A (p.Arg9Gln)

Gene: AGK (acylglycerol kinase; plus strand). Cytogenetic location: 7q34.
Variant type: single nucleotide variant.
Coding change: c.26G>A on transcript NM_018238.4 (MANE Select); coding-DNA position 26, G replaced by A.
Protein change: p.Arg9Gln; replaces arginine 9 with glutamine.
Molecular consequence: missense variant.
Genome position (GRCh38, 1-based): chr7:141,555,492, G>A. VCF-style: chr7-141555492-G-A. GRCh37 (hg19) VCF-style: chr7-141255292-G-A.
Other names: c.26G>A, p.Arg9Gln (NM_001364948.3); short protein forms R9Q.
Identifiers: ClinVar variation 703559 (VCV000703559.18), dbSNP rs577821330, ClinGen allele CA4517269.